The following is an entry in ClinVar:

NM_020937.4(FANCM):c.602G>A (p.Gly201Glu)

Gene: FANCM (FA complementation group M; plus strand). Cytogenetic location: 14q21.2.
Variant type: single nucleotide variant.
Coding change: c.602G>A on transcript NM_020937.4 (MANE Select); coding-DNA position 602, G replaced by A.
Protein change: p.Gly201Glu; replaces glycine 201 with glutamic acid.
Molecular consequence: missense variant.
Genome position (GRCh38, 1-based): chr14:45,137,162, G>A. VCF-style: chr14-45137162-G-A. GRCh37 (hg19) VCF-style: chr14-45606365-G-A.
Other names: c.602G>A, p.Gly201Glu (NM_001308133.2, NM_001308134.2); short protein forms G201E.
Identifiers: ClinVar variation 4022757 (VCV004022757.1).

ClinVar aggregate classification (germline): Uncertain significance (1 of 4 stars; one submission).

Conditions:
Inborn genetic diseases. Identifiers: MedGen C0950123, MeSH D030342.

Submission:

Ambry Genetics
Classification: Uncertain significance for Inborn genetic diseases. Last evaluated: 2025-05-08. Review status: criteria provided, single submitter. Criteria: Ambry Variant Classification Scheme 2023. Collection method: clinical testing. Allele origin: germline.
Comment: The p.G201E variant (also known as c.602G>A), located in coding exon 2 of the FANCM gene, results from a G to A substitution at nucleotide position 602. The glycine at codon 201 is replaced by glutamic acid, an amino acid with similar properties. This amino acid position is conserved. In addition, this alteration is predicted to be tolerated by in silico analysis. Based on the available evidence, the clinical significance of this variant remains unclear.